The following continues an entry in ClinVar:

NM_000256.3(MYBPC3):c.3697C>T (p.Gln1233Ter)

Gene: MYBPC3. ClinVar aggregate classification (germline): Pathogenic/Likely pathogenic. Pathogenic (29); Likely pathogenic (1).

Submissions 29 to 33 of 33:

Women's Health and Genetics/Laboratory Corporation of America, LabCorp
Classification: Pathogenic for Cardiovascular phenotype. Last evaluated: 2016-06-06. Review status: criteria provided, single submitter. Criteria: LabCorp Variant Classification Summary - May 2015. Collection method: clinical testing. Allele origin: germline.
Comment: Variant summary: The MYBPC3 c.3697C>T (p.Gln1233X) variant results in a premature termination codon, predicted to cause a truncated or absent MYBPC3 protein due to nonsense mediated decay, which are commonly known mechanisms for disease. One in silico tool predicts a damaging outcome for this variant. This variant was found in 1/121550 control chromosomes at a frequency of 0.0000082, which does not exceed the estimated maximal expected allele frequency of a pathogenic MYBPC3 variant (0.0010005). This variant has been reported in multiple HCM families and patients, with clear co-segregation of the variant with disease. In addition, multiple clinical diagnostic laboratories classified this variant as pathogenic. Taken together, this variant is classified as pathogenic.

Center of Genomic medicine, Geneva, University Hospital of Geneva
Classification: Likely pathogenic for Hypertrophic cardiomyopathy 4. Last evaluated: 2015-07-30. Review status: criteria provided, single submitter. Criteria: ACMG Guidelines, 2015. Collection method: clinical testing. Allele origin: germline. Affected: yes. Study: Final Reports_Cases2015_1.

Clinical Molecular Genetics Laboratory, Johns Hopkins All Children's Hospital
Classification: Pathogenic for Left ventricular hypertrophy. Last evaluated: 2017-08-28. Review status: no assertion criteria provided. Collection method: clinical testing. Allele origin: germline. Affected: yes. Not counted in ClinVar's aggregate classification.

Clinical Genetics, Academic Medical Center
Classification: Pathogenic. Review status: no assertion criteria provided. Collection method: clinical testing. Allele origin: germline. Affected: yes. Study: VKGL Data-share Consensus. Not counted in ClinVar's aggregate classification.

Joint Genome Diagnostic Labs from Nijmegen and Maastricht, Radboudumc and MUMC+
Classification: Pathogenic. Review status: no assertion criteria provided. Collection method: clinical testing. Allele origin: germline. Affected: yes. Study: VKGL Data-share Consensus. Not counted in ClinVar's aggregate classification.

Literature cited by the submitters: PubMed 19574547 (cited by Labcorp Genetics (formerly Invitae), Labcorp); PubMed 11499719 (cited by 8 submitters); PubMed 18957093 (cited by 7 submitters); PubMed 21985754 (cited by 5 submitters); PubMed 32841044 (cited by Victorian Clinical Genetics Services, Murdoch Childrens Research Institute); PubMed 25031304 (cited by 4 submitters); PubMed 30025578 (cited by 3 submitters); PubMed 34598319 (cited by 3 submitters); PubMed 36011256 (cited by New York Genome Center); PubMed 3734244 (cited by New York Genome Center); PubMed 24510615 (cited by 4 submitters); PubMed 25351510 (cited by All of Us Research Program, National Institutes of Health and Color Diagnostics, LLC DBA Color Health); PubMed 27532257 (cited by 3 submitters); PubMed 27600940 (cited by 3 submitters); PubMed 28615295 (cited by 3 submitters); PubMed 33495596 (cited by All of Us Research Program, National Institutes of Health and Color Diagnostics, LLC DBA Color Health); PubMed 33495597 (cited by All of Us Research Program, National Institutes of Health and Color Diagnostics, LLC DBA Color Health); PubMed 33673806 (cited by 4 submitters); PubMed 34542152 (cited by All of Us Research Program, National Institutes of Health and Color Diagnostics, LLC DBA Color Health); PubMed 35176171 (cited by All of Us Research Program, National Institutes of Health and Color Diagnostics, LLC DBA Color Health); PubMed 38002985 (cited by All of Us Research Program, National Institutes of Health and Color Diagnostics, LLC DBA Color Health); PubMed 38540378 (cited by All of Us Research Program, National Institutes of Health and Color Diagnostics, LLC DBA Color Health); PubMed 30550750 (cited by Mayo Clinic Laboratories, Mayo Clinic and Ambry Genetics); PubMed 30847666 (cited by Mayo Clinic Laboratories, Mayo Clinic and Ambry Genetics); PubMed 31513939 (cited by Mayo Clinic Laboratories, Mayo Clinic and Ambry Genetics); PubMed 31737537 (cited by Mayo Clinic Laboratories, Mayo Clinic and Ambry Genetics); PubMed 15519027 (cited by 3 submitters); PubMed 16199542 (cited by 3 submitters); PubMed 16715312 (cited by 3 submitters); PubMed 18409188 (cited by Ambry Genetics and Women's Health and Genetics/Laboratory Corporation of America, LabCorp); PubMed 21409595 (cited by Ambry Genetics); PubMed 22455086 (cited by Ambry Genetics); PubMed 25892673 (cited by Ambry Genetics); PubMed 26271555 (cited by Ambry Genetics); PubMed 28408708 (cited by Ambry Genetics); PubMed 29121657 (cited by Ambry Genetics); PubMed 12974739 (cited by Women's Health and Genetics/Laboratory Corporation of America, LabCorp); PubMed 18403758 (cited by Women's Health and Genetics/Laboratory Corporation of America, LabCorp).